The following is an entry in ClinVar:

ClinVar aggregate classification (germline): Uncertain significance (1 of 4 stars; one submission).

Conditions:
COL12A1-related disorder. Also called: COL12A1-related condition.

Submission:

PreventionGenetics, part of Exact Sciences
Classification: Uncertain significance for COL12A1-related condition. Last evaluated: 2023-07-21. Review status: criteria provided, single submitter. Criteria: ACMG Guidelines, 2015. Collection method: clinical testing. Allele origin: germline.
Comment: The COL12A1 c.8162G>A variant is predicted to result in the amino acid substitution p.Cys2721Tyr. To our knowledge, this variant has not been reported in the literature or in a large population database, indicating this variant is rare. At this time, the clinical significance of this variant is uncertain due to the absence of conclusive functional and genetic evidence.

NM_004370.6(COL12A1):c.8162G>A (p.Cys2721Tyr)

Gene: COL12A1 (collagen type XII alpha 1 chain; minus strand). Cytogenetic location: 6q13.
Variant type: single nucleotide variant.
Coding change: c.8162G>A on transcript NM_004370.6 (MANE Select); coding-DNA position 8162, G replaced by A.
Protein change: p.Cys2721Tyr; replaces cysteine 2721 with tyrosine.
Molecular consequence: missense variant.
Genome position (GRCh38, 1-based): chr6:75,106,435, C>T on the plus strand (G>A on the coding strand, the complement: COL12A1 is on the minus strand). VCF-style: chr6-75106435-C-T. GRCh37 (hg19) VCF-style: chr6-75816151-C-T.
Other names: c.8162G>A, p.Cys2721Tyr (NM_001424113.1); c.8141G>A, p.Cys2714Tyr (NM_001424114.1); c.7889G>A, p.Cys2630Tyr (NM_001424115.1); c.4670G>A, p.Cys1557Tyr (NM_001424116.1, NM_080645.3); short protein forms C1557Y, C2630Y, C2714Y, C2721Y.
Identifiers: ClinVar variation 2631582 (VCV002631582.1), dbSNP rs2533127376, ClinGen allele CA364741289.